The following is an entry in ClinVar:

ClinVar aggregate classification (germline): Pathogenic (1 of 4 stars; one submission).

Conditions:
Peutz-Jeghers syndrome (PJS). Also called: POLYPOSIS, HAMARTOMATOUS INTESTINAL; POLYPS-AND-SPOTS SYNDROME; Peutz-Jeghers polyposis; Periorificial lentiginosis syndrome. Identifiers: Orphanet 2869, MedGen C0031269, MeSH D010580, MONDO:0008280, OMIM 175200.

Submission:

Labcorp Genetics (formerly Invitae), Labcorp
Classification: Pathogenic for Peutz-Jeghers syndrome. Last evaluated: 2019-01-30. Review status: criteria provided, single submitter. Criteria: Invitae Variant Classification Sherloc (09022015). Collection method: clinical testing. Allele origin: unknown.
Comment: This variant is a deletion of the genomic region encompassing exons 6-7 and part of exon 5 (c.670_920+332) of the STK11 gene. It is expected to disrupt RNA splicing and likely results in an absent or disrupted protein product. This variant has not been reported in the literature in individuals with STK11-related conditions. Loss-of-function variants in STK11 are known to be pathogenic (PMID: 15188174, 16287113). For these reasons, this variant has been classified as Pathogenic. This variant disrupts the p.Arg297 amino acid residue in STK11. Other variant(s) that disrupt this residue have been observed in individuals with STK11-related conditions (PMID:10408777, 24652667, 26607058, 28185117), suggesting that it is a clinically significant residue. As a result, variants that disrupt this residue are likely to be causative of disease.

Literature cited by the submitters: PubMed 15188174; PubMed 16287113; PubMed 10408777; PubMed 24652667; PubMed 26607058; PubMed 28185117.

NC_000019.9:g.(?_1220652)_(1222337_?)del

Gene: STK11 (serine/threonine kinase 11; plus strand). Cytogenetic location: 19p13.3.
Variant type: Deletion.
Identifiers: ClinVar variation 3248422 (VCV003248422.1).